The following is an entry in ClinVar:

NM_001174147.2(LMX1B):c.1084G>A (p.Asp362Asn)

Gene: LMX1B (LIM homeobox transcription factor 1 beta; plus strand). Cytogenetic location: 9q33.3.
Variant type: single nucleotide variant.
Coding change: c.1084G>A on transcript NM_001174147.2 (MANE Select); coding-DNA position 1084, G replaced by A.
Protein change: p.Asp362Asn; replaces aspartic acid 362 with asparagine.
Molecular consequence: missense variant.
Genome position (GRCh38, 1-based): chr9:126,696,326, G>A. VCF-style: chr9-126696326-G-A. GRCh37 (hg19) VCF-style: chr9-129458605-G-A.
Other names: c.1096G>A, p.Asp366Asn (NM_001174146.2); c.1063G>A, p.Asp355Asn (NM_002316.4); short protein forms D355N, D362N, D366N.
Identifiers: ClinVar variation 1375664 (VCV001375664.9), dbSNP rs1420619429, ClinGen allele CA374916112.

ClinVar aggregate classification (germline): Uncertain significance. Review status: criteria provided, multiple submitters, no conflicts (2 of 4 stars). 2 submissions from 2 submitters: Uncertain significance (2). Last evaluated 2024-05-27.

Conditions:
Nail-patella syndrome (NPS). Also called: FONG DISEASE; ONYCHOOSTEODYSPLASIA; TURNER-KIESER SYNDROME. Identifiers: Orphanet 2614, MedGen C0027341, MONDO:0008061, OMIM 161200.
Nail-patella-like renal disease. Also called: Focal Segmental Glomerulosclerosis 10; GLOMERULAR BASEMENT MEMBRANE DISEASE, NAIL-PATELLA SYNDROME TYPE. Identifiers: Orphanet 2613, MedGen C0403548, MONDO:0009724, OMIM 256020.

Allele frequency attached by ClinVar (database versions not stated): gnomAD exomes below 0.00001; gnomAD 0.00001.
gnomAD v4.1: 6 of 1,613,914 alleles (0.00037%); highest among the groups gnomAD compares: African/African-American, 0.0013%; no homozygotes.

Submissions (2):

Fulgent Genetics
Classification: Uncertain significance for Nail-patella syndrome; Nail-patella-like renal disease. Last evaluated: 2024-05-27. Review status: criteria provided, single submitter. Criteria: ACMG Guidelines, 2015. Collection method: clinical testing. Allele origin: germline.

Labcorp Genetics (formerly Invitae), Labcorp
Classification: Uncertain significance. Last evaluated: 2021-05-17. Review status: criteria provided, single submitter. Criteria: Invitae Variant Classification Sherloc (09022015). Collection method: clinical testing. Allele origin: germline.
Comment: In summary, the available evidence is currently insufficient to determine the role of this variant in disease. Therefore, it has been classified as a Variant of Uncertain Significance. Algorithms developed to predict the effect of missense changes on protein structure and function are either unavailable or do not agree on the potential impact of this missense change (SIFT: "Tolerated"; PolyPhen-2: "Probably Damaging"; Align-GVGD: "Class C0"). This variant has not been reported in the literature in individuals with LMX1B-related conditions. This variant is not present in population databases (ExAC no frequency). This sequence change replaces aspartic acid with asparagine at codon 355 of the LMX1B protein (p.Asp355Asn). The aspartic acid residue is highly conserved and there is a small physicochemical difference between aspartic acid and asparagine.